The following is an entry in ClinVar:

NM_004360.5(CDH1):c.400G>C (p.Gly134Arg)

Gene: CDH1 (cadherin 1; plus strand). Cytogenetic location: 16q22.1.
Variant type: single nucleotide variant.
Coding change: c.400G>C on transcript NM_004360.5 (MANE Select); coding-DNA position 400, G replaced by C.
Protein change: p.Gly134Arg; replaces glycine 134 with arginine.
Molecular consequence: missense variant. On other transcripts: 5 prime UTR variant (2).
Genome position (GRCh38, 1-based): chr16:68,808,436, G>C. VCF-style: chr16-68808436-G-C. GRCh37 (hg19) VCF-style: chr16-68842339-G-C.
Other names: c.400G>C (LRG_301t1); c.400G>C, p.Gly134Arg (NM_001317184.2); c.-1216G>C (NM_001317185.2); c.-1420G>C (NM_001317186.2); short protein forms G134R.
Identifiers: ClinVar variation 582589 (VCV000582589.9), dbSNP rs1060501220, ClinGen allele CA396457541.

ClinVar aggregate classification (germline): Uncertain significance (1 of 4 stars; one submission).

Conditions:
Hereditary diffuse gastric adenocarcinoma (HDGC). Also called: DIFFUSE GASTRIC AND LOBULAR BREAST CANCER SYNDROME. Identifiers: Orphanet 26106, MedGen C1708349, MONDO:0007648, OMIM 137215.

Submission:

Labcorp Genetics (formerly Invitae), Labcorp
Classification: Uncertain significance for Hereditary diffuse gastric adenocarcinoma. Last evaluated: 2018-06-13. Review status: criteria provided, single submitter. Criteria: Invitae Variant Classification Sherloc (09022015). Collection method: clinical testing. Allele origin: germline.
Comment: In summary, the available evidence is currently insufficient to determine the role of this variant in disease. Therefore, it has been classified as a Variant of Uncertain Significance. Algorithms developed to predict the effect of missense changes on protein structure and function (SIFT, PolyPhen-2, Align-GVGD) all suggest that this variant is likely to be tolerated, but these predictions have not been confirmed by published functional studies and their clinical significance is uncertain. This variant has not been reported in the literature in individuals with CDH1-related disease. This variant is not present in population databases (ExAC no frequency). This sequence change replaces glycine with arginine at codon 134 of the CDH1 protein (p.Gly134Arg). The glycine residue is weakly conserved and there is a moderate physicochemical difference between glycine and arginine.